The following is an entry in ClinVar:

ClinVar aggregate classification (germline): Uncertain significance (1 of 4 stars; one submission).

Conditions:
Pheochromocytoma/paraganglioma syndrome 5. Also called: Paragangliomas 5; SDHA-Related Hereditary Paraganglioma-Pheochromocytoma Syndrome. Identifiers: Orphanet 29072, MedGen C3279992, MONDO:0013602, OMIM 614165.
Mitochondrial complex II deficiency, nuclear type 1. Also called: SUCCINATE CoQ REDUCTASE DEFICIENCY. Identifiers: Orphanet 3208, MedGen C5700310, MONDO:0100294, OMIM 252011.

Submission:

Labcorp Genetics (formerly Invitae), Labcorp
Classification: Uncertain significance for Pheochromocytoma/paraganglioma syndrome 5; Mitochondrial complex II deficiency, nuclear type 1. Last evaluated: 2022-08-03. Review status: criteria provided, single submitter. Criteria: Invitae Variant Classification Sherloc (09022015). Collection method: clinical testing. Allele origin: germline.
Comment: In summary, the available evidence is currently insufficient to determine the role of this variant in disease. Therefore, it has been classified as a Variant of Uncertain Significance. This variant is not present in population databases (gnomAD no frequency). This variant has not been reported in the literature in individuals affected with SDHA-related conditions. Advanced modeling of protein sequence and biophysical properties (such as structural, functional, and spatial information, amino acid conservation, physicochemical variation, residue mobility, and thermodynamic stability) performed at Invitae indicates that this missense variant is expected to disrupt SDHA protein function. This sequence change replaces arginine, which is basic and polar, with methionine, which is neutral and non-polar, at codon 594 of the SDHA protein (p.Arg594Met).

NM_004168.4(SDHA):c.1781G>T (p.Arg594Met)

Gene: SDHA (succinate dehydrogenase complex flavoprotein subunit A; plus strand). Cytogenetic location: 5p15.33.
Variant type: single nucleotide variant.
Coding change: c.1781G>T on transcript NM_004168.4 (MANE Select); coding-DNA position 1781, G replaced by T.
Protein change: p.Arg594Met; replaces arginine 594 with methionine.
Molecular consequence: missense variant. On other transcripts: intron variant (1).
Genome position (GRCh38, 1-based): chr5:251,455, G>T. VCF-style: chr5-251455-G-T. GRCh37 (hg19) VCF-style: chr5-251570-G-T.
Other names: c.1637G>T, p.Arg546Met (NM_001294332.2); c.1552-2938G>T (NM_001330758.2); short protein forms R594M, R546M.
Identifiers: ClinVar variation 2011475 (VCV002011475.4), dbSNP rs1302547655, ClinGen allele CA359000418.